The following is an entry in ClinVar:

NM_000441.2(SLC26A4):c.1520del (p.Leu506_Leu507insTer)

Gene: SLC26A4 (solute carrier family 26 member 4; plus strand). Cytogenetic location: 7q22.3.
Variant type: Deletion.
Coding change: c.1520del on transcript NM_000441.2 (MANE Select); coding-DNA position 1520, one base deleted (T; older notation c.1520delT).
Protein change: p.Leu506_Leu507insTer.
Molecular consequence: nonsense.
Genome position (GRCh38, 1-based): chr7:107,696,015, T deleted; the last of 2 consecutive T bases (chr7:107,696,014-107,696,015); deleting either gives the same sequence. VCF-style (leftmost placement, unchanged base first): chr7-107696013-GT-G. GRCh37 (hg19) VCF-style: chr7-107336458-GT-G.
Other names: c.1520delT (NM_000441.2); c.1520del (NM_000441.1).
Identifiers: ClinVar variation 188978 (VCV000188978.21), dbSNP rs786204601, ClinGen allele CA274209.
Genomic context (GRCh38, chr7:107,696,013, plus strand): 5'-TATAGTGTCCATCATTCTGGGGCTGGATCTCGGTTTACTAGCTGGCCTTATATTTGGACT[GT>G]TGACTGTGGTCCTGAGAGTTCAGTTGTGAGTAACGTAAAACCCAGATTTCCTATAAACAG-3'

ClinVar aggregate classification (germline): Pathogenic/Likely pathogenic. Review status: criteria provided, multiple submitters, no conflicts (2 of 4 stars). 9 submissions from 8 submitters: Pathogenic (4); Likely pathogenic (2). 3 of the submissions do not count toward it. Last evaluated 2026-06-01.

Conditions:
Pendred syndrome (PDS). Also called: Pendred's syndrome; DEAFNESS WITH GOITER; GOITER-DEAFNESS SYNDROME; HYPOTHYROIDISM, CONGENITAL, DUE TO DYSHORMONOGENESIS, 2B; Pendred Syndrome (PDS); THYROID DYSHORMONOGENESIS 2B. Identifiers: Orphanet 705, MedGen C0271829, MONDO:0010134, OMIM 274600.
Autosomal recessive nonsyndromic hearing loss 4 (DFNB4). Also called: Deafness, autosomal recessive 4; Enlarged vestibular aqueduct, digenic; NEUROSENSORY NONSYNDROMIC RECESSIVE DEAFNESS 4; Deafness, autosomal recessive 4, with enlarged vestibular aqueduct; FOXI1-Related Pendred Syndrome; KCNJ10-Related Pendred Syndrome. Identifiers: Orphanet 90636, MedGen C3538946, MONDO:0010933, OMIM 600791.

Submissions (9):

Department of Otolaryngology-Head and Neck Surgery, Shanghai Jiao Tong University Affiliated Sixth People’s Hospital
Classification: Pathogenic for Autosomal recessive nonsyndromic hearing loss 4. Last evaluated: 2026-06-01. Review status: criteria provided, single submitter. Criteria: ACMG Guidelines, 2015. Collection method: provider interpretation. Allele origin: germline. Inheritance: Autosomal recessive inheritance. Affected: yes. Observed: 1 variant allele, 1 compound heterozygote.
Comment: The c.1520delT variant in exon 13 of the SLC26A4 gene creates a premature stop codon and truncates the encoded protein at the 507th amino acid. This variant is classified as Pathogenic (PVS1 + PM2_Supporting + PM3_Strong + PP4) based on the following evidence: PVS1: This nonsense variant is predicted to trigger nonsense-mediated mRNA decay (NMD). PM2_Supporting: The variant exhibits a population frequency of 0 in the ESP, 1000 Genomes and gnomAD databases. PM3_Strong: This variant has been detected in no fewer than three reported patients who also carried another pathogenic or likely pathogenic variant (PMID: 21961810, 28786104, 31541171). PP4: CT and MRI examinations reveal enlargement of the right vestibular aqueduct.

Women's Health and Genetics/Laboratory Corporation of America, LabCorp
Classification: Pathogenic for Pendred syndrome. Last evaluated: 2026-05-18. Review status: criteria provided, single submitter. Criteria: LabCorp Variant Classification Summary - May 2015. Collection method: clinical testing. Allele origin: germline.
Comment: Variant summary: SLC26A4 c.1520delT (p.Leu507X) results in a premature termination codon, predicted to cause a truncation of the encoded protein or absence of the protein due to nonsense mediated decay, which are commonly known mechanisms for disease. The variant was absent in 251364 control chromosomes. c.1520delT has been observed in individual(s) affected with SLC26A4-related conditions (example, Huang_2011). These report(s) do not provide unequivocal conclusions about association of the variant with disease. To our knowledge, no experimental evidence demonstrating an impact on protein function has been reported. The following publication has been ascertained in the context of this evaluation (PMID: 21961810). ClinVar contains an entry for this variant (Variation ID: 188978). Based on the evidence outlined above, the variant was classified as pathogenic.

Baylor Genetics
Classification: Pathogenic for Autosomal recessive nonsyndromic hearing loss 4. Last evaluated: 2024-03-14. Review status: criteria provided, single submitter. Criteria: ACMG Guidelines, 2015. Collection method: clinical testing. Allele origin: unknown.

Labcorp Genetics (formerly Invitae), Labcorp
Classification: Pathogenic. Last evaluated: 2023-09-14. Review status: criteria provided, single submitter. Criteria: Invitae Variant Classification Sherloc (09022015). Collection method: clinical testing. Allele origin: germline.
Comment: For these reasons, this variant has been classified as Pathogenic. ClinVar contains an entry for this variant (Variation ID: 188978). This premature translational stop signal has been observed in individuals with sensorineural hearing loss (PMID: 21961810, 28786104). This variant is not present in population databases (gnomAD no frequency). This sequence change creates a premature translational stop signal (p.Leu507*) in the SLC26A4 gene. It is expected to result in an absent or disrupted protein product. Loss-of-function variants in SLC26A4 are known to be pathogenic (PMID: 16283880, 25394566, 26252218, 26445815).

Genome-Nilou Lab
Classification: Likely pathogenic for Autosomal recessive nonsyndromic hearing loss 4. Last evaluated: 2021-09-05. Review status: criteria provided, single submitter. Criteria: ACMG Guidelines, 2015. Collection method: clinical testing. Allele origin: germline. Affected: no.

Genome-Nilou Lab
Classification: Likely pathogenic for Pendred syndrome. Last evaluated: 2021-09-05. Review status: criteria provided, single submitter. Criteria: ACMG Guidelines, 2015. Collection method: clinical testing. Allele origin: germline. Affected: no.

Natera, Inc.
Classification: Pathogenic for Pendred syndrome. Last evaluated: 2021-02-23. Review status: no assertion criteria provided. Collection method: clinical testing. Allele origin: germline. Not counted in ClinVar's aggregate classification.

Genetic Testing Center for Deafness, Department of Otolaryngology Head & Neck Surgery, Institute of Otolaryngology, Chinese PLA General Hospital
Classification: Pathogenic for Autosomal recessive nonsyndromic hearing loss 4. Last evaluated: 2019-02-26. Review status: no assertion criteria provided. Collection method: case-control. Allele origin: inherited. Affected: yes. Observed: 68 variant alleles. Clinical features observed: hearing loss. Not counted in ClinVar's aggregate classification.

Counsyl
Classification: Likely pathogenic for Pendred's syndrome. Last evaluated: 2014-09-24. Review status: no assertion criteria provided. Collection method: literature only. Allele origin: unknown. Inheritance: Autosomal recessive inheritance. Not counted in ClinVar's aggregate classification.

Literature cited by the submitters: PubMed 21961810 (cited by 4 submitters); PubMed 28786104 (cited by Department of Otolaryngology-Head and Neck Surgery, Shanghai Jiao Tong University Affiliated Sixth People’s Hospital and Labcorp Genetics (formerly Invitae), Labcorp); PubMed 31541171 (cited by Department of Otolaryngology-Head and Neck Surgery, Shanghai Jiao Tong University Affiliated Sixth People’s Hospital); PubMed 16283880 (cited by Labcorp Genetics (formerly Invitae), Labcorp); PubMed 25394566 (cited by Labcorp Genetics (formerly Invitae), Labcorp); PubMed 26252218 (cited by Labcorp Genetics (formerly Invitae), Labcorp); PubMed 26445815 (cited by Labcorp Genetics (formerly Invitae), Labcorp); PubMed 23185506 (cited by Counsyl); PubMed 23918157 (cited by Counsyl).